The following is an entry in ClinVar:

ClinVar aggregate classification (germline): Pathogenic (1 of 4 stars; one submission).

Submission:

GeneDx
Classification: Pathogenic. Last evaluated: 2019-03-12. Review status: criteria provided, single submitter. Criteria: GeneDx Variant Classification (06012015). Collection method: clinical testing. Allele origin: germline. Affected: yes.
Comment: The c.1187delC variant in the TBX1 gene has not been reported previously as a pathogenic variant nor as a benign variant, to our knowledge. The c.1187delC variant causes a frameshift starting with codon Proline 396, changes this amino acid to an Arginine residue, and creates a premature Stop codon at position 64 of the new reading frame, denoted p.Pro396ArgfsX64. This variant is predicted to cause loss of normal protein function through protein truncation. The c.1187delC variant is not observed in large population cohorts (Lek et al., 2016). We interpret c.1187delC as a pathogenic variant.

NM_001379200.1(TBX1):c.1214del (p.Pro405fs)

Gene: TBX1 (T-box transcription factor 1; plus strand). Cytogenetic location: 22q11.21.
Variant type: Deletion.
Coding change: c.1214del on transcript NM_001379200.1 (MANE Select); coding-DNA position 1214, one base deleted (C; older notation c.1214delC).
Protein change: p.Pro405fs; shifts the reading frame from proline 405.
Molecular consequence: frameshift variant. On other transcripts: intron variant (2).
Genome position (GRCh38, 1-based): chr22:19,766,566, C deleted; the last of 5 consecutive C bases (chr22:19,766,562-19,766,566); deleting any one gives the same sequence. VCF-style (leftmost placement, unchanged base first): chr22-19766561-TC-T. GRCh37 (hg19) VCF-style: chr22-19754084-TC-T.
Other names: c.1187del, p.Pro396fs (NM_080647.1); c.1009+564del (NM_005992.1, NM_080646.2); c.1187delC (NM_080647.1); short protein forms P396fs, P405fs.
Identifiers: ClinVar variation 817469 (VCV000817469.1), dbSNP rs1601294188, ClinGen allele CA915950746.
Genomic context (GRCh38, chr22:19,766,561, plus strand): 5'-CGGGGCCGGCGGCGCCGGCGGCTTAGTCCCGCTGCCCGGCGCGCCCGGAGGCCGGCCCAG[TC>T]CCCCGAACCCCGAGCTGCGCCTGGAGGCGCCCGGCGCATCGGAGCCGCTGCACCACCACC-3'